The following is an entry in ClinVar:

NM_001876.4(CPT1A):c.122del (p.Lys41fs)

Gene: CPT1A (carnitine palmitoyltransferase 1A; minus strand). Cytogenetic location: 11q13.3.
Variant type: Deletion.
Coding change: c.122del on transcript NM_001876.4 (MANE Select); coding-DNA position 122, one base deleted (A; older notation c.122delA).
Protein change: p.Lys41fs; shifts the reading frame from lysine 41.
Molecular consequence: frameshift variant.
Genome position (GRCh38, 1-based): chr11:68,815,353, T deleted on the plus strand (A on the coding strand, the reverse complement: CPT1A is on the minus strand); the first of 5 consecutive T bases (chr11:68,815,353-68,815,357); deleting any one gives the same sequence. VCF-style (leftmost placement, unchanged base first): chr11-68815352-CT-C. GRCh37 (hg19) VCF-style: chr11-68582820-CT-C.
Other names: c.122del, p.Lys41fs (NM_001031847.3); short protein forms K41fs.
Identifiers: ClinVar variation 837468 (VCV000837468.7), dbSNP rs1856354768, ClinGen allele CA916083259.

ClinVar aggregate classification (germline): Pathogenic (1 of 4 stars; one submission).

Conditions:
Carnitine palmitoyl transferase 1A deficiency. Also called: Carnitine palmitoyltransferase 1A deficiency; Carnitine palmitoyltransferase type I deficiency; CPT I DEFICIENCY; CPT DEFICIENCY, HEPATIC, TYPE I; CPT deficiency, hepatic, type IA. Identifiers: Orphanet 156, MedGen C1829703, MONDO:0009705, OMIM 255120.

Submission:

Labcorp Genetics (formerly Invitae), Labcorp
Classification: Pathogenic for Carnitine palmitoyl transferase 1A deficiency. Last evaluated: 2019-11-18. Review status: criteria provided, single submitter. Criteria: Invitae Variant Classification Sherloc (09022015). Collection method: clinical testing. Allele origin: germline.
Comment: Loss-of-function variants in CPT1A are known to be pathogenic (PMID: 16169268). For these reasons, this variant has been classified as Pathogenic. This variant has not been reported in the literature in individuals with CPT1A-related conditions. This variant is not present in population databases (ExAC no frequency). This sequence change creates a premature translational stop signal (p.Lys41Argfs*29) in the CPT1A gene. It is expected to result in an absent or disrupted protein product.

Literature cited by the submitters: PubMed 16169268.